The following is an entry in ClinVar:

ClinVar aggregate classification (germline): Likely benign (0 of 4 stars; one submission).

Conditions:
NLRP14-related disorder. Also called: NLRP14-related condition.

Allele frequency attached by ClinVar (database versions not stated): gnomAD exomes 0.00185; ExAC 0.00309; 1000 Genomes Project 30x 0.00578; 1000 Genomes Project 0.00579; gnomAD 0.00710; ESP Exome Variant Server 0.00793; TOPMed 0.00809.
gnomAD v4.1: 3,923 of 1,614,144 alleles (0.24%); highest among the groups gnomAD compares: African/African-American, 1.9%; 26 homozygotes.

Submission:

PreventionGenetics, part of Exact Sciences
Classification: Likely benign for NLRP14-related condition. Last evaluated: 2019-02-28. Review status: no assertion criteria provided. Collection method: clinical testing. Allele origin: germline.
Comment: This variant is classified as likely benign based on ACMG/AMP sequence variant interpretation guidelines (Richards et al. 2015 PMID: 25741868, with internal and published modifications).

NM_176822.4(NLRP14):c.1190C>T (p.Thr397Ile)

Gene: NLRP14 (NLR family pyrin domain containing 14; plus strand). Cytogenetic location: 11p15.4.
Variant type: single nucleotide variant.
Coding change: c.1190C>T on transcript NM_176822.4 (MANE Select); coding-DNA position 1190, C replaced by T.
Protein change: p.Thr397Ile; replaces threonine 397 with isoleucine.
Molecular consequence: missense variant.
Genome position (GRCh38, 1-based): chr11:7,043,216, C>T. VCF-style: chr11-7043216-C-T. GRCh37 (hg19) VCF-style: chr11-7064447-C-T.
Other names: short protein forms T397I.
Identifiers: ClinVar variation 3039322 (VCV003039322.2), dbSNP rs76670455, ClinGen allele CA5864742.